The following is an entry in ClinVar:

NM_000257.4(MYH7):c.1000A>G (p.Asn334Asp)

Gene: MYH7 (myosin heavy chain 7; minus strand). Cytogenetic location: 14q11.2.
Variant type: single nucleotide variant.
Coding change: c.1000A>G on transcript NM_000257.4 (MANE Select); coding-DNA position 1000, A replaced by G.
Protein change: p.Asn334Asp; replaces asparagine 334 with aspartic acid.
Molecular consequence: missense variant.
Genome position (GRCh38, 1-based): chr14:23,429,913, T>C on the plus strand (A>G on the coding strand, the complement: MYH7 is on the minus strand). VCF-style: chr14-23429913-T-C. GRCh37 (hg19) VCF-style: chr14-23899122-T-C.
Other names: short protein forms N334D.
Identifiers: ClinVar variation 1172171 (VCV001172171.2), dbSNP rs1275864764, ClinGen allele CA389051573.

ClinVar aggregate classification (germline): Uncertain significance (1 of 4 stars; one submission).

Conditions:
Cardiomyopathy (CMYO). Also called: Cardiomyopathies. Identifiers: Orphanet 167848, MedGen C0878544, MONDO:0004994, HP:0001638. Inheritance: Various modes of inheritance.

Allele frequency attached by ClinVar (database versions not stated): gnomAD exomes below 0.00001.

Submission:

Color Diagnostics, LLC DBA Color Health
Classification: Uncertain significance for Cardiomyopathy. Last evaluated: 2021-01-11. Review status: criteria provided, single submitter. Criteria: ACMG Guidelines, 2015. Collection method: clinical testing. Allele origin: germline.
Comment: This missense variant replaces asparagine with aspartic acid at codon 334 of the MYH7 protein. Computational prediction suggests that this variant may not impact protein structure and function (internally defined REVEL score threshold <= 0.5, PMID: 27666373). To our knowledge, functional studies have not been reported for this variant. This variant has not been reported in individuals affected with cardiovascular disorders in the literature. This variant has been identified in 1/251394 chromosomes in the general population by the Genome Aggregation Database (gnomAD). The available evidence is insufficient to determine the role of this variant in disease conclusively. Therefore, this variant is classified as a Variant of Uncertain Significance.